The following is an entry in ClinVar:

ClinVar aggregate classification (germline): Likely pathogenic (1 of 4 stars; one submission).

Conditions:
Retinitis pigmentosa 2 (RP2). Also called: Retinitis pigmentosa 2, X linked. Identifiers: Orphanet 791, MedGen C2681923, MONDO:0010723, OMIM 312600.

Submission:

3billion
Classification: Likely pathogenic for Retinitis pigmentosa 2. Last evaluated: 2025-07-18. Review status: criteria provided, single submitter. Criteria: ACMG Guidelines, 2015. Collection method: clinical testing. Allele origin: germline. Affected: yes.
Comment: The variant is not observed in the gnomAD v4.1.0 dataset. Predicted Consequence/Location: Stop-gained (nonsense): predicted to result in a loss or disruption of normal protein function through protein truncation. The predicted truncated protein may be shortened by more than 10%. The variant has been reported to be associated with RP2-related disorder (PMID: 32856788). Therefore, this variant is classified as Likely pathogenic according to the recommendation of ACMG/AMP guideline.

Literature cited by the submitters: PubMed 32856788.

NM_006915.3(RP2):c.945_946insT (p.Asn316Ter)

Gene: RP2 (RP2 activator of ARL3 GTPase; plus strand). Cytogenetic location: Xp11.3.
Variant type: Insertion.
Coding change: c.945_946insT on transcript NM_006915.3 (MANE Select); coding-DNA positions 945 to 946, T inserted.
Protein change: p.Asn316Ter; replaces asparagine 316 with a stop codon.
Molecular consequence: nonsense.
Genome position: GRCh38 VCF-style: chrX-46877566-A-AT. GRCh37 (hg19) VCF-style: chrX-46737001-A-AT.
Other names: short protein forms N316*.
Identifiers: ClinVar variation 4854077 (VCV004854077.1).